The following is an entry in ClinVar:

NM_130810.4(DNAAF4):c.755G>C (p.Arg252Pro)

Genes: DNAAF4 (dynein axonemal assembly factor 4; minus strand), DNAAF4-CCPG1 (DNAAF4-CCPG1 readthrough (NMD candidate); minus strand). Cytogenetic location: 15q21.3.
Variant type: single nucleotide variant.
Coding change: c.755G>C on transcript NM_130810.4 (MANE Select); coding-DNA position 755, G replaced by C.
Protein change: p.Arg252Pro; replaces arginine 252 with proline.
Molecular consequence: missense variant. On other transcripts: non-coding transcript variant (1).
Genome position (GRCh38, 1-based): chr15:55,450,250, C>G on the plus strand (G>C on the coding strand, the complement: DNAAF4 is on the minus strand). VCF-style: chr15-55450250-C-G. GRCh37 (hg19) VCF-style: chr15-55742448-C-G.
Other names: c.755G>C, p.Arg252Pro (NM_001033559.3, NM_001033560.2); short protein forms R252P.
Identifiers: ClinVar variation 2918175 (VCV002918175.1), dbSNP rs889125391, ClinGen allele CA270798208.
Genomic context (GRCh38, chr15:55,450,250, plus strand): 5'-GTGGTAATTGTAACTAGAGTAAGTATATATACCTCCTCCTCTTCTGCTACTTGTGATTCA[C>G]GAAGAGCTGTTGGGAATACTCGAGGGGTAAAGTTGATTTTAATACTGCCAACAGAGCGAG-3'
Protein context (NP_570722.2, residues 242-262): FTPRVFPTAL[Arg252Pro]ESQVAEEEEW

ClinVar aggregate classification (germline): Uncertain significance (1 of 4 stars; one submission).

gnomAD v4.1: 8 of 1,612,970 alleles (0.0005%); highest among the groups gnomAD compares: Non-Finnish European, 0.00068%; no homozygotes.

Submission:

Labcorp Genetics (formerly Invitae), Labcorp
Classification: Uncertain significance. Last evaluated: 2023-10-01. Review status: criteria provided, single submitter. Criteria: Invitae Variant Classification Sherloc (09022015). Collection method: clinical testing. Allele origin: germline.
Comment: This variant is present in population databases (no rsID available, gnomAD 0.0009%). This variant has not been reported in the literature in individuals affected with DNAAF4-related conditions. Advanced modeling of protein sequence and biophysical properties (such as structural, functional, and spatial information, amino acid conservation, physicochemical variation, residue mobility, and thermodynamic stability) performed at Invitae indicates that this missense variant is expected to disrupt DNAAF4 protein function. In summary, the available evidence is currently insufficient to determine the role of this variant in disease. Therefore, it has been classified as a Variant of Uncertain Significance. This sequence change replaces arginine, which is basic and polar, with proline, which is neutral and non-polar, at codon 252 of the DNAAF4 protein (p.Arg252Pro).